The following is an entry in ClinVar:

NM_030662.4(MAP2K2):c.346A>G (p.Ile116Val)

Gene: MAP2K2 (mitogen-activated protein kinase kinase 2; minus strand). Cytogenetic location: 19p13.3.
Variant type: single nucleotide variant.
Coding change: c.346A>G on transcript NM_030662.4 (MANE Select); coding-DNA position 346, A replaced by G.
Protein change: p.Ile116Val; replaces isoleucine 116 with valine.
Molecular consequence: missense variant.
Genome position (GRCh38, 1-based): chr19:4,110,613, T>C on the plus strand (A>G on the coding strand, the complement: MAP2K2 is on the minus strand). VCF-style: chr19-4110613-T-C. GRCh37 (hg19) VCF-style: chr19-4110611-T-C.
Other names: short protein forms I116V.
Identifiers: ClinVar variation 3228053 (VCV003228053.3), dbSNP rs2145070157, ClinGen allele CA403391637.

ClinVar aggregate classification (germline): Uncertain significance. Review status: criteria provided, multiple submitters, no conflicts (2 of 4 stars). 2 submissions from 2 submitters: Uncertain significance (2). Last evaluated 2024-03-31.

Conditions:
RASopathy. Also called: Noonan spectrum disorder; rasopathies. Identifiers: Orphanet 536391, MedGen C5555857, MONDO:0021060.
Cardiovascular phenotype. Identifiers: MedGen CN230736.

Allele frequency attached by ClinVar (database versions not stated): gnomAD exomes 0.00002.
gnomAD v4.1: 23 of 1,613,874 alleles (0.0014%); highest among the groups gnomAD compares: Middle Eastern, 0.016%; no homozygotes.

Submissions (2):

Labcorp Genetics (formerly Invitae), Labcorp
Classification: Uncertain significance for RASopathy. Last evaluated: 2024-03-31. Review status: criteria provided, single submitter. Criteria: Invitae Variant Classification Sherloc (09022015). Collection method: clinical testing. Allele origin: germline.
Comment: This sequence change replaces isoleucine, which is neutral and non-polar, with valine, which is neutral and non-polar, at codon 116 of the MAP2K2 protein (p.Ile116Val). This variant is not present in population databases (gnomAD no frequency). This variant has not been reported in the literature in individuals affected with MAP2K2-related conditions. Advanced modeling of protein sequence and biophysical properties (such as structural, functional, and spatial information, amino acid conservation, physicochemical variation, residue mobility, and thermodynamic stability) performed at Invitae indicates that this missense variant is not expected to disrupt MAP2K2 protein function with a negative predictive value of 95%. In summary, the available evidence is currently insufficient to determine the role of this variant in disease. Therefore, it has been classified as a Variant of Uncertain Significance.

Ambry Genetics
Classification: Uncertain significance for Cardiovascular phenotype. Last evaluated: 2023-12-10. Review status: criteria provided, single submitter. Criteria: Ambry Variant Classification Scheme 2023. Collection method: clinical testing. Allele origin: germline.
Comment: The p.I116V variant (also known as c.346A>G), located in coding exon 3 of the MAP2K2 gene, results from an A to G substitution at nucleotide position 346. The isoleucine at codon 116 is replaced by valine, an amino acid with highly similar properties. This amino acid position is conserved. In addition, the in silico prediction for this alteration is inconclusive. Since supporting evidence is limited at this time, the clinical significance of this alteration remains unclear.